The following is an entry in ClinVar:

NM_014874.4(MFN2):c.264C>G (p.Ile88Met)

Gene: MFN2 (mitofusin 2; plus strand). Cytogenetic location: 1p36.22.
Variant type: single nucleotide variant.
Coding change: c.264C>G on transcript NM_014874.4 (MANE Select); coding-DNA position 264, C replaced by G.
Protein change: p.Ile88Met; replaces isoleucine 88 with methionine.
Molecular consequence: missense variant.
Genome position (GRCh38, 1-based): chr1:11,992,643, C>G. VCF-style: chr1-11992643-C-G. GRCh37 (hg19) VCF-style: chr1-12052700-C-G.
Other names: c.264C>G, p.Ile88Met (NM_001127660.2); short protein forms I88M.
Identifiers: ClinVar variation 543168 (VCV000543168.12), dbSNP rs1553141680, ClinGen allele CA338462084.

ClinVar aggregate classification (germline): Conflicting classifications of pathogenicity. Review status: criteria provided, conflicting classifications (1 of 4 stars). 3 submissions from 3 submitters: Likely pathogenic (2); Uncertain significance (1). Last evaluated 2023-09-29.

Conditions:
Charcot-Marie-Tooth disease type 2. Also called: Charcot-Marie-Tooth type 2. Identifiers: Orphanet 64746, MedGen C0270914, MONDO:0018993.
MFN2-related disorder. Also called: MFN2-related condition; MFN2-related disorders.

Submissions (3):

Labcorp Genetics (formerly Invitae), Labcorp
Classification: Likely pathogenic for Charcot-Marie-Tooth disease type 2. Last evaluated: 2023-09-29. Review status: criteria provided, single submitter. Criteria: Invitae Variant Classification Sherloc (09022015). Collection method: clinical testing. Allele origin: germline.
Comment: This variant is not present in population databases (gnomAD no frequency). This sequence change replaces isoleucine, which is neutral and non-polar, with methionine, which is neutral and non-polar, at codon 88 of the MFN2 protein (p.Ile88Met). This missense change has been observed in individual(s) with clinical features of autosomal dominant MFN2-related conditions (Invitae). ClinVar contains an entry for this variant (Variation ID: 543168). Advanced modeling of protein sequence and biophysical properties (such as structural, functional, and spatial information, amino acid conservation, physicochemical variation, residue mobility, and thermodynamic stability) performed at Invitae indicates that this missense variant is expected to disrupt MFN2 protein function. This variant disrupts the p.Ile88 amino acid residue in MFN2. Other variant(s) that disrupt this residue have been determined to be pathogenic (Invitae). This suggests that this residue is clinically significant, and that variants that disrupt this residue are likely to be disease-causing. In summary, the currently available evidence indicates that the variant is pathogenic, but additional data are needed to prove that conclusively. Therefore, this variant has been classified as Likely Pathogenic.

Blueprint Genetics
Classification: Likely pathogenic for MFN2-related disorders. Last evaluated: 2023-08-04. Review status: criteria provided, single submitter. Criteria: ACMG Guidelines, 2015. Collection method: clinical testing. Allele origin: germline. Affected: yes. Observed: 1 variant allele.

GeneDx
Classification: Uncertain significance. Last evaluated: 2019-04-30. Review status: criteria provided, single submitter. Criteria: GeneDx Variant Classification Process June 2021. Collection method: clinical testing. Allele origin: germline. Affected: yes.
Comment: Not observed in large population cohorts (Lek et al., 2016); In silico analysis, which includes protein predictors and evolutionary conservation, supports a deleterious effect; Has not been previously published as pathogenic or benign to our knowledge; This variant is associated with the following publications: (PMID: 26392352)